The following is an entry in ClinVar:

NM_002282.3(KRT83):c.1332T>C (p.Asp444=)

Gene: KRT83 (keratin 83; minus strand). Cytogenetic location: 12q13.13.
Variant type: single nucleotide variant.
Coding change: c.1332T>C on transcript NM_002282.3 (MANE Select); coding-DNA position 1332, T replaced by C.
Protein change: p.Asp444=; no amino-acid change (aspartic acid 444 retained).
Molecular consequence: synonymous variant.
Genome position (GRCh38, 1-based): chr12:52,314,781, A>G on the plus strand (T>C on the coding strand, the complement: KRT83 is on the minus strand). VCF-style: chr12-52314781-A-G. GRCh37 (hg19) VCF-style: chr12-52708565-A-G.
Identifiers: ClinVar variation 309499 (VCV000309499.15), dbSNP rs2857670, ClinGen allele CA6577280.

ClinVar aggregate classification (germline): Benign. Review status: criteria provided, multiple submitters, no conflicts (2 of 4 stars). 4 submissions from 4 submitters: Benign (4). Last evaluated 2026-02-04.

Conditions:
Monilethrix. Also called: Beaded hair. Identifiers: Orphanet 573, MedGen C0546966, MONDO:0008009, HP:0032470.

Allele frequency attached by ClinVar (database versions not stated): gnomAD 0.70708 and 0.71131; TOPMed 0.70804; 1000 Genomes Project 0.71146; 1000 Genomes Project 30x 0.71846; ESP Exome Variant Server 0.72671.
gnomAD v4.1: 1,073,519 of 1,604,820 alleles (67%); highest among the groups gnomAD compares: African/African-American, 85%; 361,108 homozygotes.

Submissions (4):

Labcorp Genetics (formerly Invitae), Labcorp
Classification: Benign. Last evaluated: 2026-02-04. Review status: criteria provided, single submitter. Criteria: Invitae Variant Classification Sherloc (09022015). Collection method: clinical testing. Allele origin: germline.

GeneDx
Classification: Benign. Last evaluated: 2018-11-12. Review status: criteria provided, single submitter. Criteria: GeneDx Variant Classification Process June 2021. Collection method: clinical testing. Allele origin: germline. Affected: yes.

Illumina Laboratory Services, Illumina
Classification: Benign for Monilethrix-1. Last evaluated: 2018-01-12. Review status: criteria provided, single submitter. Criteria: ICSL Variant Classification Criteria 13 December 2019. Collection method: clinical testing. Allele origin: germline.
Comment: This variant was observed in the ICSL laboratory as part of a predisposition screen in an ostensibly healthy population. It had not been previously curated by ICSL or reported in the Human Gene Mutation Database (HGMD: prior to June 1st, 2018), and was therefore a candidate for classification through an automated scoring system. Utilizing variant allele frequency, disease prevalence and penetrance estimates, and inheritance mode, an automated score was calculated to assess if this variant is too frequent to cause the disease. Based on the score and internal cut-off values, a variant classified as benign is not then subjected to further curation. The score for this variant resulted in a classification of benign for this disease.

Breakthrough Genomics
Classification: Benign. Review status: criteria provided, single submitter. Criteria: ACMG Guidelines, 2015. Collection method: not provided. Allele origin: germline. Inheritance: Autosomal recessive inheritance. Affected: yes.